The following is an entry in ClinVar:

NM_181507.2(HPS5):c.1754C>T (p.Ser585Leu)

Gene: HPS5 (HPS5 biogenesis of lysosomal organelles complex 2 subunit 2; minus strand). Cytogenetic location: 11p15.1.
Variant type: single nucleotide variant.
Coding change: c.1754C>T on transcript NM_181507.2 (MANE Select); coding-DNA position 1754, C replaced by T.
Protein change: p.Ser585Leu; replaces serine 585 with leucine.
Molecular consequence: missense variant.
Genome position (GRCh38, 1-based): chr11:18,295,050, G>A on the plus strand (C>T on the coding strand, the complement: HPS5 is on the minus strand). VCF-style: chr11-18295050-G-A. GRCh37 (hg19) VCF-style: chr11-18316597-G-A.
Other names: c.1412C>T, p.Ser471Leu (NM_007216.4, NM_181508.2); short protein forms S585L, S471L.
Identifiers: ClinVar variation 1433190 (VCV001433190.7), dbSNP rs139680176, ClinGen allele CA5910023.

ClinVar aggregate classification (germline): Uncertain significance. Review status: criteria provided, multiple submitters, no conflicts (2 of 4 stars). 3 submissions from 3 submitters: Uncertain significance (3). Last evaluated 2025-07-28.

Conditions:
Inborn genetic diseases. Identifiers: MedGen C0950123, MeSH D030342.
HPS5-related disorder. Also called: HPS5-related condition.

Allele frequency attached by ClinVar (database versions not stated): ESP Exome Variant Server 0.00023; gnomAD 0.00029 and 0.00031; 1000 Genomes Project 30x 0.00031; TOPMed 0.00034; gnomAD exomes 0.00002 and 0.00007; ExAC 0.00008; 1000 Genomes Project 0.00020.
gnomAD v4.1: 75 of 1,614,128 alleles (0.0046%); highest among the groups gnomAD compares: African/African-American, 0.093%; no homozygotes.

Submissions (3):

PreventionGenetics, part of Exact Sciences
Classification: Uncertain significance for HPS5-related condition. Last evaluated: 2025-07-28. Review status: criteria provided, single submitter. Criteria: ACMG Guidelines, 2015. Collection method: clinical testing. Allele origin: germline.
Comment: The HPS5 c.1754C>T variant is predicted to result in the amino acid substitution p.Ser585Leu. To our knowledge, this variant has not been reported in the literature. This variant is reported in 0.084% of alleles in individuals of African descent in gnomAD. Although we suspect that this variant may be benign, at this time, the clinical significance of this variant is uncertain due to the absence of conclusive functional and genetic evidence.

Ambry Genetics
Classification: Uncertain significance for Inborn genetic diseases. Last evaluated: 2024-05-20. Review status: criteria provided, single submitter. Criteria: Ambry Variant Classification Scheme 2023. Collection method: clinical testing. Allele origin: germline.

Labcorp Genetics (formerly Invitae), Labcorp
Classification: Uncertain significance. Last evaluated: 2022-07-15. Review status: criteria provided, single submitter. Criteria: Invitae Variant Classification Sherloc (09022015). Collection method: clinical testing. Allele origin: germline.
Comment: This sequence change replaces serine, which is neutral and polar, with leucine, which is neutral and non-polar, at codon 585 of the HPS5 protein (p.Ser585Leu). This variant is present in population databases (rs139680176, gnomAD 0.09%). This variant has not been reported in the literature in individuals affected with HPS5-related conditions. ClinVar contains an entry for this variant (Variation ID: 1433190). Algorithms developed to predict the effect of missense changes on protein structure and function (SIFT, PolyPhen-2, Align-GVGD) all suggest that this variant is likely to be tolerated. In summary, the available evidence is currently insufficient to determine the role of this variant in disease. Therefore, it has been classified as a Variant of Uncertain Significance.